The following is an entry in ClinVar:

ClinVar aggregate classification (germline): Likely pathogenic (1 of 4 stars; one submission).

Conditions:
ANKRD11-related disorder. Also called: ANKRD11-related condition.

Submission:

PreventionGenetics, part of Exact Sciences
Classification: Likely pathogenic for ANKRD11-related condition. Last evaluated: 2023-07-17. Review status: criteria provided, single submitter. Criteria: ACMG Guidelines, 2015. Collection method: clinical testing. Allele origin: germline.
Comment: The ANKRD11 c.5810dupG variant is predicted to result in a frameshift and premature protein termination (p.Pro1938Serfs*12). This variant was reported as de novo in an individual with an unspecified developmental disorder, although a second de novo variant in another gene was also present in this individual (Patient DDD4K.03665, Table S1, McRae. 2017. PubMed ID: 28135719). This variant has not been reported in a large population database, indicating this variant is rare. Frameshift variants in ANKRD11 are expected to be pathogenic. This variant is interpreted as likely pathogenic.

NM_013275.6(ANKRD11):c.5810dup (p.Pro1938fs)

Gene: ANKRD11 (ankyrin repeat domain containing 11; minus strand). Cytogenetic location: 16q24.3.
Variant type: Duplication.
Coding change: c.5810dup on transcript NM_013275.6 (MANE Select); coding-DNA position 5810, one base duplicated (G; older notation c.5810dupG).
Protein change: p.Pro1938fs; shifts the reading frame from proline 1938.
Molecular consequence: frameshift variant.
Genome position (GRCh38, 1-based): chr16:89,280,732, C duplicated on the plus strand (G on the coding strand, the reverse complement: ANKRD11 is on the minus strand); the first of 3 consecutive C bases (chr16:89,280,732-89,280,734); duplicating any one gives the same sequence. VCF-style (leftmost placement, unchanged base first): chr16-89280731-A-AC. GRCh37 (hg19) VCF-style: chr16-89347139-A-AC.
Other names: c.5810dup, p.Pro1938fs (NM_001256182.2, NM_001256183.2); short protein forms P1938fs.
Identifiers: ClinVar variation 2631544 (VCV002631544.1), dbSNP rs2544225964, ClinGen allele CA658761831.